The following is an entry in ClinVar:

ClinVar aggregate classification (germline): Benign/Likely benign. Review status: criteria provided, multiple submitters, no conflicts (2 of 4 stars). 2 submissions from 2 submitters: Benign (1); Likely benign (1). Last evaluated 2024-02-01.

Allele frequency attached by ClinVar (database versions not stated): 1000 Genomes Project 30x 0.00094; 1000 Genomes Project 0.00100; gnomAD exomes 0.00416 and 0.00602; gnomAD 0.00425 and 0.00449; TOPMed 0.00433; ESP Exome Variant Server 0.00469; ExAC 0.00640.
gnomAD v4.1: 9,386 of 1,604,790 alleles (0.58%); highest among the groups gnomAD compares: Non-Finnish European, 0.71%; 31 homozygotes.

Submissions (2):

CeGaT Center for Human Genetics Tuebingen
Classification: Likely benign. Last evaluated: 2024-02-01. Review status: criteria provided, single submitter. Criteria: CeGaT Center For Human Genetics Tuebingen Variant Classification Criteria Version 2. Collection method: clinical testing. Allele origin: germline. Affected: yes. Observed: 1 variant allele.
Comment: BORCS8-MEF2B: BP4, BP7; MEF2B: BP4, BP7

Labcorp Genetics (formerly Invitae), Labcorp
Classification: Benign. Last evaluated: 2017-09-07. Review status: criteria provided, single submitter. Criteria: Invitae Variant Classification Sherloc (09022015). Collection method: clinical testing. Allele origin: germline.

NM_001145785.2(MEF2B):c.453C>A (p.Gly151=)

Genes: MEF2B (myocyte enhancer factor 2B; minus strand), BORCS8-MEF2B (BORCS8-MEF2B readthrough; minus strand). Cytogenetic location: 19p13.11.
Variant type: single nucleotide variant.
Coding change: c.453C>A on transcript NM_001145785.2 (MANE Select); coding-DNA position 453, C replaced by A.
Protein change: p.Gly151=; no amino-acid change (glycine 151 retained).
Molecular consequence: synonymous variant. On other transcripts: non-coding transcript variant (2).
Genome position (GRCh38, 1-based): chr19:19,147,124, G>T on the plus strand (C>A on the coding strand, the complement: MEF2B is on the minus strand). VCF-style: chr19-19147124-G-T. GRCh37 (hg19) VCF-style: chr19-19257933-G-T.
Other names: c.453C>A, p.Gly151= (NM_001367282.1, NM_005919.4).
Identifiers: ClinVar variation 788835 (VCV000788835.25), dbSNP rs151213204, ClinGen allele CA9322307.